The following is an entry in ClinVar:

ClinVar aggregate classification (germline): Uncertain significance (1 of 4 stars; one submission).

Allele frequency attached by ClinVar (database versions not stated): gnomAD 0.00003; TOPMed 0.00004; gnomAD exomes 0.00005; 1000 Genomes Project 0.00020.
gnomAD v4.1: 84 of 1,475,022 alleles (0.0057%); highest among the groups gnomAD compares: East Asian, 0.061%; 2 homozygotes.

Submission:

Labcorp Genetics (formerly Invitae), Labcorp
Classification: Uncertain significance. Last evaluated: 2024-07-15. Review status: criteria provided, single submitter. Criteria: Invitae Variant Classification Sherloc (09022015). Collection method: clinical testing. Allele origin: germline.
Comment: This sequence change replaces arginine, which is basic and polar, with glutamine, which is neutral and polar, at codon 1216 of the MYH7B protein (p.Arg1216Gln). This variant is present in population databases (rs370266935, gnomAD 0.2%), and has an allele count higher than expected for a pathogenic variant. This variant has not been reported in the literature in individuals affected with MYH7B-related conditions. ClinVar contains an entry for this variant (Variation ID: 2146892). Advanced modeling of protein sequence and biophysical properties (such as structural, functional, and spatial information, amino acid conservation, physicochemical variation, residue mobility, and thermodynamic stability) performed at Invitae indicates that this missense variant is not expected to disrupt MYH7B protein function with a negative predictive value of 80%. In summary, the available evidence is currently insufficient to determine the role of this variant in disease. Therefore, it has been classified as a Variant of Uncertain Significance.

NM_020884.7(MYH7B):c.3521G>A (p.Arg1174Gln)

Gene: MYH7B (myosin heavy chain 7B; plus strand). Cytogenetic location: 20q11.22.
Variant type: single nucleotide variant.
Coding change: c.3521G>A on transcript NM_020884.7 (MANE Select); coding-DNA position 3521, G replaced by A.
Protein change: p.Arg1174Gln; replaces arginine 1174 with glutamine.
Molecular consequence: missense variant.
Genome position (GRCh38, 1-based): chr20:34,997,414, G>A. VCF-style: chr20-34997414-G-A. GRCh37 (hg19) VCF-style: chr20-33585217-G-A.
Other names: short protein forms R1174Q.
Identifiers: ClinVar variation 2146892 (VCV002146892.4), dbSNP rs370266935, ClinGen allele CA313481946.